The following is an entry in ClinVar:

NM_021913.5(AXL):c.1588A>G (p.Met530Val)

Gene: AXL (AXL receptor tyrosine kinase; plus strand). Cytogenetic location: 19q13.2.
Variant type: single nucleotide variant.
Coding change: c.1588A>G on transcript NM_021913.5 (MANE Select); coding-DNA position 1588, A replaced by G.
Protein change: p.Met530Val; replaces methionine 530 with valine.
Molecular consequence: missense variant.
Genome position (GRCh38, 1-based): chr19:41,248,564, A>G. VCF-style: chr19-41248564-A-G. GRCh37 (hg19) VCF-style: chr19-41754469-A-G.
Other names: c.784A>G, p.Met262Val (NM_001278599.2); c.1561A>G, p.Met521Val (NM_001699.6); short protein forms M262V, M521V, M530V.
Identifiers: ClinVar variation 4879464 (VCV004879464.1).
Genomic context (GRCh38, chr19:41,248,564, plus strand): 5'-TTGCATGCAGTGAACAGCCTGGGCATCAGTGAAGAGCTGAAGGAGAAGCTGCGGGATGTG[A>G]TGGTGGACCGGCACAAGGTGGCCCTGGGGAAGACTCTGGGAGAGGGTGAGTCCCCCGGCA-3'
Protein context (NP_068713.2, residues 520-540): EELKEKLRDV[Met530Val]VDRHKVALGK

ClinVar aggregate classification (germline): Uncertain significance (1 of 4 stars; one submission).

Conditions:
Congenital hypogonadotropic hypogonadism. Identifiers: Orphanet 174590, MedGen C3899503, MONDO:0015770.

Submission:

Department of Pediatrics, Asan Medical Center, University of Ulsan College of Medicine
Classification: Uncertain significance for Congenital hypogonadotropic hypogonadism. Last evaluated: 2026-07-19. Review status: criteria provided, single submitter. Criteria: ACMG Guidelines, 2015. Collection method: research. Allele origin: germline. Inheritance: Autosomal recessive inheritance. Affected: yes. Observed: 1 heterozygote.
Comment: ACMG/AMP evidence codes: PM2_Supporting. In silico predictions: CADD 20.6, PolyPhen-2 probably damaging, SIFT tolerated, REVEL 0.277, MutationTaster disease causing. Not found in gnomAD. Novel variant.